The following is an entry in ClinVar:

ClinVar aggregate classification (germline): Uncertain significance (1 of 4 stars; one submission).

gnomAD v4.1: 2 of 1,211,936 alleles (0.00017%); highest among the groups gnomAD compares: East Asian, 0.003%; no homozygotes.

Submission:

CeGaT Center for Human Genetics Tuebingen
Classification: Uncertain significance. Last evaluated: 2025-02-01. Review status: criteria provided, single submitter. Criteria: CeGaT Center For Human Genetics Tuebingen Variant Classification Criteria Version 2. Collection method: clinical testing. Allele origin: germline. Affected: yes. Observed: 1 variant allele.
Comment: UBA1: PM2, PP2, BP4

NM_003334.4(UBA1):c.2156C>T (p.Ser719Leu)

Gene: UBA1 (ubiquitin like modifier activating enzyme 1; plus strand). Cytogenetic location: Xp11.3.
Variant type: single nucleotide variant.
Coding change: c.2156C>T on transcript NM_003334.4 (MANE Select); coding-DNA position 2156, C replaced by T.
Protein change: p.Ser719Leu; replaces serine 719 with leucine.
Molecular consequence: missense variant.
Genome position (GRCh38, 1-based): chrX:47,210,080, C>T. VCF-style: chrX-47210080-C-T. GRCh37 (hg19) VCF-style: chrX-47069479-C-T.
Other names: c.2156C>T, p.Ser719Leu (NM_153280.3); short protein forms S719L.
Identifiers: ClinVar variation 3772525 (VCV003772525.13).